The following is an entry in ClinVar:

ClinVar aggregate classification (germline): Uncertain significance (1 of 4 stars; one submission).

Submission:

Labcorp Genetics (formerly Invitae), Labcorp
Classification: Uncertain significance. Last evaluated: 2024-12-16. Review status: criteria provided, single submitter. Criteria: Invitae Variant Classification Sherloc (09022015). Collection method: clinical testing. Allele origin: germline.
Comment: This sequence change replaces phenylalanine, which is neutral and non-polar, with leucine, which is neutral and non-polar, at codon 729 of the KIAA1549 protein (p.Phe729Leu). This variant is not present in population databases (gnomAD no frequency). This variant has not been reported in the literature in individuals affected with KIAA1549-related conditions. ClinVar contains an entry for this variant (Variation ID: 1017294). An algorithm developed to predict the effect of missense changes on protein structure and function outputs the following: PolyPhen-2: "Benign". The leucine amino acid residue is found in multiple mammalian species, which suggests that this missense change does not adversely affect protein function. In summary, the available evidence is currently insufficient to determine the role of this variant in disease. Therefore, it has been classified as a Variant of Uncertain Significance.

NM_001164665.2(KIAA1549):c.2185T>C (p.Phe729Leu)

Gene: KIAA1549 (KIAA1549; minus strand). Cytogenetic location: 7q34.
Variant type: single nucleotide variant.
Coding change: c.2185T>C on transcript NM_001164665.2 (MANE Select); coding-DNA position 2185, T replaced by C.
Protein change: p.Phe729Leu; replaces phenylalanine 729 with leucine.
Molecular consequence: missense variant.
Genome position (GRCh38, 1-based): chr7:138,917,441, A>G on the plus strand (T>C on the coding strand, the complement: KIAA1549 is on the minus strand). VCF-style: chr7-138917441-A-G. GRCh37 (hg19) VCF-style: chr7-138602187-A-G.
Other names: c.2185T>C, p.Phe729Leu (NM_020910.3); short protein forms F729L.
Identifiers: ClinVar variation 1017294 (VCV001017294.8), dbSNP rs1812367588, ClinGen allele CA369393983.
Genomic context (GRCh38, chr7:138,917,441, plus strand): 5'-TGAAAGCTGAGGTAAAATGAGCTTCTGAATCCGTCAGTGAAACCGTAGACGCTTCAACAA[A>G]CTCGAGAGAATCAGAAGGGAAGCTTGACCATGGTGACACCTCAGAACGGCTAGGTAGCAA-3'
Protein context (NP_001158137.1, residues 719-739): WSSFPSDSLE[Phe729Leu]VEASTVSLTD